The following is an entry in ClinVar:

ClinVar aggregate classification (germline): Uncertain significance (1 of 4 stars; one submission).

Conditions:
Cystic fibrosis (CF). Also called: MUCOVISCIDOSIS. Identifiers: Orphanet 586, MedGen C0010674, MONDO:0009061, OMIM 219700. Disease mechanism: loss of function.

Submission:

Ambry Genetics
Classification: Uncertain significance for Cystic fibrosis. Last evaluated: 2025-05-25. Review status: criteria provided, single submitter. Criteria: Ambry Variant Classification Scheme 2023. Collection method: clinical testing. Allele origin: germline.
Comment: The p.E873A variant (also known as c.2618A>C), located in coding exon 15 of the CFTR gene, results from an A to C substitution at nucleotide position 2618. The glutamic acid at codon 873 is replaced by alanine, an amino acid with dissimilar properties. This amino acid position is conserved. In addition, this alteration is predicted to be deleterious by in silico analysis. Based on the available evidence, the clinical significance of this variant remains unclear.

NM_000492.4(CFTR):c.2618A>C (p.Glu873Ala)

Gene: CFTR (CF transmembrane conductance regulator; plus strand). Cytogenetic location: 7q31.2.
Variant type: single nucleotide variant.
Coding change: c.2618A>C on transcript NM_000492.4 (MANE Select); coding-DNA position 2618, A replaced by C.
Protein change: p.Glu873Ala; replaces glutamic acid 873 with alanine.
Molecular consequence: missense variant.
Genome position (GRCh38, 1-based): chr7:117,595,057, A>C. VCF-style: chr7-117595057-A-C. GRCh37 (hg19) VCF-style: chr7-117235111-A-C.
Other names: short protein forms E873A.
Identifiers: ClinVar variation 4001877 (VCV004001877.1).
Genomic context (GRCh38, chr7:117,595,057, plus strand): 5'-TTACTGTCCACAAGAGCTTAATTTTTGTGCTAATTTGGTGCTTAGTAATTTTTCTGGCAG[A>C]GGTAAGAATGTTCTATTGTAAAGTATTACTGGATTTAAAGTTAAATTAAGATAGTTTGGG-3'
Protein context (NP_000483.3, residues 863-883): LIWCLVIFLA[Glu873Ala]VAASLVVLWL